The following is an entry in ClinVar:

NM_178335.3(CCDC50):c.997A>C (p.Lys333Gln)

Gene: CCDC50 (coiled-coil domain containing 50; plus strand). Cytogenetic location: 3q28.
Variant type: single nucleotide variant.
Coding change: c.997A>C on transcript NM_178335.3 (MANE Select); coding-DNA position 997, A replaced by C.
Protein change: p.Lys333Gln; replaces lysine 333 with glutamine.
Molecular consequence: missense variant.
Genome position (GRCh38, 1-based): chr3:191,380,179, A>C. VCF-style: chr3-191380179-A-C. GRCh37 (hg19) VCF-style: chr3-191097968-A-C.
Other names: c.469A>C, p.Lys157Gln (NM_174908.4); short protein forms K157Q, K333Q.
Identifiers: ClinVar variation 2331497 (VCV002331497.3), dbSNP rs117877324, ClinGen allele CA2755407.

ClinVar aggregate classification (germline): Uncertain significance. Review status: criteria provided, multiple submitters, no conflicts (2 of 4 stars). 2 submissions from 2 submitters: Uncertain significance (2). Last evaluated 2024-12-26.

Allele frequency attached by ClinVar (database versions not stated): gnomAD exomes below 0.00001; ExAC 0.00001; TOPMed 0.00001; gnomAD 0.00002; 1000 Genomes Project 30x 0.00016; 1000 Genomes Project 0.00020.
gnomAD v4.1: 6 of 1,601,868 alleles (0.00037%); highest among the groups gnomAD compares: East Asian, 0.013%; no homozygotes.

Submissions (2):

GeneDx
Classification: Uncertain significance. Last evaluated: 2024-12-26. Review status: criteria provided, single submitter. Criteria: GeneDx Variant Classification Process June 2021. Collection method: clinical testing. Allele origin: germline. Affected: yes.
Comment: In silico analysis indicates that this missense variant does not alter protein structure/function; Has not been previously published as pathogenic or benign to our knowledge

Ambry Genetics
Classification: Uncertain significance. Last evaluated: 2022-12-01. Review status: criteria provided, single submitter. Criteria: Ambry Variant Classification Scheme 2023. Collection method: clinical testing. Allele origin: germline.